The following is an entry in ClinVar:

ClinVar aggregate classification (germline): Conflicting classifications of pathogenicity. Review status: criteria provided, conflicting classifications (1 of 4 stars). 2 submissions from 2 submitters: Uncertain significance (1); Likely benign (1). Last evaluated 2025-01-07.

Conditions:
Inborn genetic diseases. Identifiers: MedGen C0950123, MeSH D030342.

Allele frequency attached by ClinVar (database versions not stated): ExAC 0.00001; gnomAD 0.00002; TOPMed 0.00002; gnomAD exomes 0.00003.
gnomAD v4.1: 43 of 1,613,990 alleles (0.0027%); highest among the groups gnomAD compares: Non-Finnish European, 0.0034%; no homozygotes.

Submissions (2):

Ambry Genetics
Classification: Likely benign for Inborn genetic diseases. Last evaluated: 2025-01-07. Review status: criteria provided, single submitter. Criteria: Ambry Variant Classification Scheme 2023. Collection method: clinical testing. Allele origin: germline.

Labcorp Genetics (formerly Invitae), Labcorp
Classification: Uncertain significance. Last evaluated: 2021-12-29. Review status: criteria provided, single submitter. Criteria: Invitae Variant Classification Sherloc (09022015). Collection method: clinical testing. Allele origin: germline.
Comment: This sequence change replaces arginine, which is basic and polar, with glutamine, which is neutral and polar, at codon 193 of the TARS2 protein (p.Arg193Gln). This variant is present in population databases (rs753782098, gnomAD 0.0009%). This variant has not been reported in the literature in individuals affected with TARS2-related conditions. Algorithms developed to predict the effect of missense changes on protein structure and function output the following: SIFT: "Tolerated"; PolyPhen-2: "Benign"; Align-GVGD: "Class C0". The glutamine amino acid residue is found in multiple mammalian species, which suggests that this missense change does not adversely affect protein function. In summary, the available evidence is currently insufficient to determine the role of this variant in disease. Therefore, it has been classified as a Variant of Uncertain Significance.

NM_025150.5(TARS2):c.578G>A (p.Arg193Gln)

Gene: TARS2 (threonyl-tRNA synthetase 2, mitochondrial; plus strand). Cytogenetic location: 1q21.2.
Variant type: single nucleotide variant.
Coding change: c.578G>A on transcript NM_025150.5 (MANE Select); coding-DNA position 578, G replaced by A.
Protein change: p.Arg193Gln; replaces arginine 193 with glutamine.
Molecular consequence: missense variant. On other transcripts: non-coding transcript variant (1).
Genome position (GRCh38, 1-based): chr1:150,491,459, G>A. VCF-style: chr1-150491459-G-A. GRCh37 (hg19) VCF-style: chr1-150463935-G-A.
Other names: c.578G>A, p.Arg193Gln (NM_001271895.2, NM_001271896.2); c.578G>A (NM_025150.3); short protein forms R193Q.
Identifiers: ClinVar variation 1935925 (VCV001935925.6), dbSNP rs753782098, ClinGen allele CA1076730.
Genomic context (GRCh38, chr1:150,491,459, plus strand): 5'-TCCGGGGCTCAGAGCTGCCTGTTTTGGAGCGGATTTGCCAGGAACTTACAGCTGCTGCTC[G>A]ACCCTTCCGGAGGCTAGAGGCTTCACGGGATCAGCTTCGCCAGTTGTTCAAGGTGGGGTG-3'
Protein context (NP_079426.2, residues 183-203): RICQELTAAA[Arg193Gln]PFRRLEASRD